The following is an entry in ClinVar:

NM_152419.3(HGSNAT):c.983T>C (p.Ile328Thr)

Gene: HGSNAT (heparan-alpha-glucosaminide N-acetyltransferase; plus strand). Cytogenetic location: 8p11.21.
Variant type: single nucleotide variant.
Coding change: c.983T>C on transcript NM_152419.3 (MANE Select); coding-DNA position 983, T replaced by C.
Protein change: p.Ile328Thr; replaces isoleucine 328 with threonine.
Molecular consequence: missense variant. On other transcripts: intron variant (1).
Genome position (GRCh38, 1-based): chr8:43,178,205, T>C. VCF-style: chr8-43178205-T-C. GRCh37 (hg19) VCF-style: chr8-43033348-T-C.
Other names: c.983T>C (NM_152419.2); c.983T>C, p.Ile328Thr (NM_001363227.2); c.119T>C, p.Ile40Thr (NM_001363229.2); c.821-3940T>C (NM_001363228.2); short protein forms I328T, I40T.
Identifiers: ClinVar variation 1063622 (VCV001063622.6), dbSNP rs906833070, ClinGen allele CA371117393.

ClinVar aggregate classification (germline): Uncertain significance. Review status: criteria provided, multiple submitters, no conflicts (2 of 4 stars). 2 submissions from 2 submitters: Uncertain significance (2). Last evaluated 2025-05-16.

Conditions:
Inborn genetic diseases. Identifiers: MedGen C0950123, MeSH D030342.
Mucopolysaccharidosis, MPS-III-C (MPS3C). Also called: MPS IIIC (Sanfilippo Syndrome Type C); MUCOPOLYSACCHARIDOSIS, TYPE IIIC; Mucopolysaccharidosis type IIIC (Sanfilippo C); mucopolysaccharidosis type 3C; SANFILIPPO SYNDROME C; MPS III C. Identifiers: Orphanet 581, Orphanet 79271, MedGen C0086649, MONDO:0009657, OMIM 252930.
Retinitis pigmentosa 73 (RP73). Identifiers: Orphanet 791, MedGen C4225287, MONDO:0014687, OMIM 616544.

Allele frequency attached by ClinVar (database versions not stated): gnomAD exomes below 0.00001 and 0.00001.
gnomAD v4.1: 3 of 1,558,066 alleles (0.00019%); highest among the groups gnomAD compares: Admixed American, 0.0021%; no homozygotes.

Submissions (2):

Ambry Genetics
Classification: Uncertain significance for Inborn genetic diseases. Last evaluated: 2025-05-16. Review status: criteria provided, single submitter. Criteria: Ambry Variant Classification Scheme 2023. Collection method: clinical testing. Allele origin: germline.

Labcorp Genetics (formerly Invitae), Labcorp
Classification: Uncertain significance for Retinitis pigmentosa 73; Mucopolysaccharidosis, MPS-III-C. Last evaluated: 2020-06-12. Review status: criteria provided, single submitter. Criteria: Invitae Variant Classification Sherloc (09022015). Collection method: clinical testing. Allele origin: germline.
Comment: Algorithms developed to predict the effect of missense changes on protein structure and function are either unavailable or do not agree on the potential impact of this missense change (SIFT: "Deleterious"; PolyPhen-2: "Benign"; Align-GVGD: "Class C0"). In summary, the available evidence is currently insufficient to determine the role of this variant in disease. Therefore, it has been classified as a Variant of Uncertain Significance. This variant has not been reported in the literature in individuals with HGSNAT-related conditions. This variant is not present in population databases (ExAC no frequency). This sequence change replaces isoleucine with threonine at codon 328 of the HGSNAT protein (p.Ile328Thr). The isoleucine residue is weakly conserved and there is a moderate physicochemical difference between isoleucine and threonine.